The following is an entry in ClinVar:

ClinVar aggregate classification (germline): Uncertain significance. Review status: criteria provided, multiple submitters, no conflicts (2 of 4 stars). 2 submissions from 2 submitters: Uncertain significance (2). Last evaluated 2025-10-01.

Conditions:
Fanconi anemia complementation group J. Also called: BRIP1-Related Fanconi Anemia. Identifiers: Orphanet 84, MedGen C1836860, MONDO:0012187, OMIM 609054.
Familial cancer of breast. Also called: hereditary breast carcinoma; Hereditary breast cancer; BREAST CANCER, FAMILIAL. Identifiers: Orphanet 227535, MedGen C0346153, MONDO:0016419, OMIM 114480. Disease mechanism: loss of function.
Hereditary cancer-predisposing syndrome. Also called: Tumor predisposition; Hereditary neoplastic syndrome; Neoplastic Syndromes, Hereditary; Hereditary Cancer Syndrome. Identifiers: Orphanet 140162, MedGen C0027672, MeSH D009386, MONDO:0015356.

Allele frequency attached by ClinVar (database versions not stated): gnomAD 0.00001.
gnomAD v4.1: 1 of 1,610,446 alleles (0.000062%); highest among the groups gnomAD compares: Admixed American, 0.0017%; no homozygotes.

Submissions (2):

Labcorp Genetics (formerly Invitae), Labcorp
Classification: Uncertain significance for Familial cancer of breast; Fanconi anemia complementation group J. Last evaluated: 2025-10-01. Review status: criteria provided, single submitter. Criteria: Invitae Variant Classification Sherloc (09022015). Collection method: clinical testing. Allele origin: germline.
Comment: This sequence change replaces threonine, which is neutral and polar, with arginine, which is basic and polar, at codon 613 of the BRIP1 protein (p.Thr613Arg). This variant is not present in population databases (gnomAD no frequency). This variant has not been reported in the literature in individuals affected with BRIP1-related conditions. ClinVar contains an entry for this variant (Variation ID: 1499377). Invitae Evidence Modeling of protein sequence and biophysical properties (such as structural, functional, and spatial information, amino acid conservation, physicochemical variation, residue mobility, and thermodynamic stability) indicates that this missense variant is expected to disrupt BRIP1 protein function with a positive predictive value of 95%. In summary, the available evidence is currently insufficient to determine the role of this variant in disease. Therefore, it has been classified as a Variant of Uncertain Significance.

Ambry Genetics
Classification: Uncertain significance for Hereditary cancer-predisposing syndrome. Last evaluated: 2024-03-13. Review status: criteria provided, single submitter. Criteria: Ambry Variant Classification Scheme 2023. Collection method: clinical testing. Allele origin: germline.
Comment: The p.T613R variant (also known as c.1838C>G), located in coding exon 12 of the BRIP1 gene, results from a C to G substitution at nucleotide position 1838. The threonine at codon 613 is replaced by arginine, an amino acid with similar properties. This amino acid position is well conserved in available vertebrate species. In addition, this alteration is predicted to be deleterious by in silico analysis. Since supporting evidence is limited at this time, the clinical significance of this alteration remains unclear.

NM_032043.3(BRIP1):c.1838C>G (p.Thr613Arg)

Gene: BRIP1 (BRCA1 interacting DNA helicase 1; minus strand). Cytogenetic location: 17q23.2.
Variant type: single nucleotide variant.
Coding change: c.1838C>G on transcript NM_032043.3 (MANE Select); coding-DNA position 1838, C replaced by G.
Protein change: p.Thr613Arg; replaces threonine 613 with arginine.
Molecular consequence: missense variant.
Genome position (GRCh38, 1-based): chr17:61,780,358, G>C on the plus strand (C>G on the coding strand, the complement: BRIP1 is on the minus strand). VCF-style: chr17-61780358-G-C. GRCh37 (hg19) VCF-style: chr17-59857719-G-C.
Other names: short protein forms T613R.
Identifiers: ClinVar variation 1499377 (VCV001499377.9), dbSNP rs864622345, ClinGen allele CA400480140.